The following is an entry in ClinVar:

ClinVar aggregate classification (germline): Uncertain significance. Review status: criteria provided, multiple submitters, no conflicts (2 of 4 stars). 3 submissions from 3 submitters: Uncertain significance (3). Last evaluated 2024-09-18.

Conditions:
Prolidase deficiency. Identifiers: Orphanet 742, MedGen C0268532, MONDO:0008221, OMIM 170100.

Allele frequency attached by ClinVar (database versions not stated): ExAC 0.00012; gnomAD exomes 0.00016 and 0.00036; TOPMed 0.00021; gnomAD 0.00023 and 0.00024; ESP Exome Variant Server 0.00031.
gnomAD v4.1: 553 of 1,613,964 alleles (0.034%); highest among the groups gnomAD compares: Non-Finnish European, 0.044%; no homozygotes.

Submissions (3):

Blueprint Genetics
Classification: Uncertain significance. Last evaluated: 2024-09-18. Review status: criteria provided, single submitter. Criteria: ACMG Guidelines, 2015. Collection method: clinical testing. Allele origin: germline.

Labcorp Genetics (formerly Invitae), Labcorp
Classification: Uncertain significance. Last evaluated: 2022-09-27. Review status: criteria provided, single submitter. Criteria: Invitae Variant Classification Sherloc (09022015). Collection method: clinical testing. Allele origin: germline.
Comment: This sequence change replaces valine, which is neutral and non-polar, with methionine, which is neutral and non-polar, at codon 472 of the PEPD protein (p.Val472Met). This variant is present in population databases (rs200072143, gnomAD 0.03%). This variant has not been reported in the literature in individuals affected with PEPD-related conditions. ClinVar contains an entry for this variant (Variation ID: 889121). Advanced modeling of protein sequence and biophysical properties (such as structural, functional, and spatial information, amino acid conservation, physicochemical variation, residue mobility, and thermodynamic stability) has been performed at Invitae for this missense variant, however the output from this modeling did not meet the statistical confidence thresholds required to predict the impact of this variant on PEPD protein function. In summary, the available evidence is currently insufficient to determine the role of this variant in disease. Therefore, it has been classified as a Variant of Uncertain Significance.

Illumina Laboratory Services, Illumina
Classification: Uncertain significance for Prolidase deficiency. Last evaluated: 2018-01-13. Review status: criteria provided, single submitter. Criteria: ICSL Variant Classification Criteria 13 December 2019. Collection method: clinical testing. Allele origin: germline.

NM_000285.4(PEPD):c.1414G>A (p.Val472Met)

Gene: PEPD (peptidase D; minus strand). Cytogenetic location: 19q13.11.
Variant type: single nucleotide variant.
Coding change: c.1414G>A on transcript NM_000285.4 (MANE Select); coding-DNA position 1414, G replaced by A.
Protein change: p.Val472Met; replaces valine 472 with methionine.
Molecular consequence: missense variant.
Genome position (GRCh38, 1-based): chr19:33,387,412, C>T on the plus strand (G>A on the coding strand, the complement: PEPD is on the minus strand). VCF-style: chr19-33387412-C-T. GRCh37 (hg19) VCF-style: chr19-33878318-C-T.
Other names: c.1291G>A, p.Val431Met (NM_001166056.2); c.1222G>A, p.Val408Met (NM_001166057.2); short protein forms V408M, V431M, V472M.
Identifiers: ClinVar variation 889121 (VCV000889121.7), dbSNP rs200072143, ClinGen allele CA9363862.
Genomic context (GRCh38, chr19:33,387,412, plus strand): 5'-GGCCAGAGAAGGGGGTAAAGGCCTTGTCACAGCCTGCCATGCATGCTTCAATCTCTTCCA[C>T]AGTGCGGGGCACGCAGGTCAGCAGCTCTATGCCGCTGTCAGTCACCACGACGTCCTCCTC-3'
Protein context (NP_000276.2, residues 462-482): IELLTCVPRT[Val472Met]EEIEACMAGC